The following is an entry in ClinVar:

NM_003873.7(NRP1):c.1530G>A (p.Val510=)

Gene: NRP1 (neuropilin 1; minus strand). Cytogenetic location: 10p11.22.
Variant type: single nucleotide variant.
Coding change: c.1530G>A on transcript NM_003873.7 (MANE Select); coding-DNA position 1530, G replaced by A.
Protein change: p.Val510=; no amino-acid change (valine 510 retained).
Molecular consequence: synonymous variant. On other transcripts: non-coding transcript variant (1).
Genome position (GRCh38, 1-based): chr10:33,213,470, C>T on the plus strand (G>A on the coding strand, the complement: NRP1 is on the minus strand). VCF-style: chr10-33213470-C-T. GRCh37 (hg19) VCF-style: chr10-33502398-C-T.
Other names: c.1530G>A, p.Val510= (NM_001024628.3, NM_001024629.3, NM_001244972.2 and 2 more transcripts).
Identifiers: ClinVar variation 3350872 (VCV003350872.1).

ClinVar aggregate classification (germline): Likely benign (0 of 4 stars; one submission).

Conditions:
NRP1-related disorder. Also called: NRP1-related condition.

gnomAD v4.1: 36 of 1,614,014 alleles (0.0022%); highest among the groups gnomAD compares: African/African-American, 0.039%; no homozygotes.

Submission:

PreventionGenetics, part of Exact Sciences
Classification: Likely benign for NRP1-related condition. Last evaluated: 2024-02-07. Review status: no assertion criteria provided. Collection method: clinical testing. Allele origin: germline.
Comment: This variant is classified as likely benign based on ACMG/AMP sequence variant interpretation guidelines (Richards et al. 2015 PMID: 25741868, with internal and published modifications).